The following is an entry in ClinVar:

ClinVar aggregate classification (germline): Uncertain significance. Review status: criteria provided, multiple submitters, no conflicts (2 of 4 stars). 2 submissions from 2 submitters: Uncertain significance (2). Last evaluated 2026-09-20.

Conditions:
SPTAN1-related disorder. Also called: SPTAN1-related condition; SPTAN1-related disorders.
Early-infantile DEE. Also called: Early infantile epileptic encephalopathy with suppression bursts; Ohtahara syndrome; Early infantile epileptic encephalopathy. Identifiers: Orphanet 1934, MedGen C0393706, MONDO:0800491.

Allele frequency attached by ClinVar (database versions not stated): ExAC 0.00001; gnomAD 0.00001; gnomAD exomes 0.00001; TOPMed 0.00001.
gnomAD v4.1: 19 of 1,613,998 alleles (0.0012%); highest among the groups gnomAD compares: Non-Finnish European, 0.0014%; no homozygotes.

Submissions (2):

PreventionGenetics, part of Exact Sciences
Classification: Uncertain significance for SPTAN1-related condition. Last evaluated: 2026-09-20. Review status: criteria provided, single submitter. Criteria: ACMG Guidelines, 2015. Collection method: clinical testing. Allele origin: germline.
Comment: The SPTAN1 c.7354C>A variant is predicted to result in the amino acid substitution p.Pro2452Thr. To our knowledge, this variant has not been reported in the literature. This variant is reported in 0.0026% of alleles in individuals of European (non-Finnish) descent in gnomAD. At this time, the clinical significance of this variant is uncertain due to the absence of conclusive functional and genetic evidence.

Labcorp Genetics (formerly Invitae), Labcorp
Classification: Uncertain significance for Early-infantile DEE. Last evaluated: 2025-03-11. Review status: criteria provided, single submitter. Criteria: Invitae Variant Classification Sherloc (09022015). Collection method: clinical testing. Allele origin: germline.
Comment: This sequence change replaces proline, which is neutral and non-polar, with threonine, which is neutral and polar, at codon 2452 of the SPTAN1 protein (p.Pro2452Thr). This variant is present in population databases (rs767620941, gnomAD 0.003%). This variant has not been reported in the literature in individuals affected with SPTAN1-related conditions. ClinVar contains an entry for this variant (Variation ID: 1015516). Invitae Evidence Modeling of protein sequence and biophysical properties (such as structural, functional, and spatial information, amino acid conservation, physicochemical variation, residue mobility, and thermodynamic stability) has been performed for this missense variant. However, the output from this modeling did not meet the statistical confidence thresholds required to predict the impact of this variant on SPTAN1 protein function. In summary, the available evidence is currently insufficient to determine the role of this variant in disease. Therefore, it has been classified as a Variant of Uncertain Significance.

NM_001130438.3(SPTAN1):c.7354C>A (p.Pro2452Thr)

Gene: SPTAN1 (spectrin alpha, non-erythrocytic 1; plus strand). Cytogenetic location: 9q34.11.
Variant type: single nucleotide variant.
Coding change: c.7354C>A on transcript NM_001130438.3 (MANE Select); coding-DNA position 7354, C replaced by A.
Protein change: p.Pro2452Thr; replaces proline 2452 with threonine.
Molecular consequence: missense variant.
Genome position (GRCh38, 1-based): chr9:128,633,254, C>A. VCF-style: chr9-128633254-C-A. GRCh37 (hg19) VCF-style: chr9-131395533-C-A.
Other names: c.7279C>A, p.Pro2427Thr (NM_001195532.2); c.7417C>A, p.Pro2473Thr (NM_001363759.2); c.7294C>A, p.Pro2432Thr (NM_001363765.2, NM_001375314.2); c.7441C>A, p.Pro2481Thr (NM_001375310.1); c.7354C>A, p.Pro2452Thr (NM_001375311.2); c.7390C>A, p.Pro2464Thr (NM_001375312.2); c.7336C>A, p.Pro2446Thr (NM_001375313.1); c.7453C>A, p.Pro2485Thr (NM_001375318.1); and 2 more; short protein forms P2427T, P2432T, P2446T, P2447T, P2452T, P2464T, P2473T, P2481T.
Identifiers: ClinVar variation 1015516 (VCV001015516.11), dbSNP rs767620941, ClinGen allele CA5266089.